The following is an entry in ClinVar:

NM_007294.4(BRCA1):c.1214C>G (p.Ser405Ter)

Gene: BRCA1 (BRCA1 DNA repair associated; minus strand). Cytogenetic location: 17q21.31.
Variant type: single nucleotide variant.
Coding change: c.1214C>G on transcript NM_007294.4 (MANE Select); coding-DNA position 1214, C replaced by G.
Protein change: p.Ser405Ter; replaces serine 405 with a stop codon.
Molecular consequence: nonsense. On other transcripts: intron variant (137).
Genome position (GRCh38, 1-based): chr17:43,094,317, G>C on the plus strand (C>G on the coding strand, the complement: BRCA1 is on the minus strand). VCF-style: chr17-43094317-G-C. GRCh37 (hg19) VCF-style: chr17-41246334-G-C.
Other names: 1333C>G; c.1001C>G, p.Ser334Ter (NM_001407571.1, NM_001407853.1, NM_001407895.1 and 9 more transcripts); c.1214C>G, p.Ser405Ter (NM_001407581.1, NM_001407582.1, NM_001407583.1 and 30 more transcripts); c.1211C>G, p.Ser404Ter (NM_001407587.1, NM_001407590.1, NM_001407591.1 and 22 more transcripts); c.1205C>G, p.Ser402Ter (NM_001407646.1, NM_001407647.1); c.1091C>G, p.Ser364Ter (NM_001407648.1, NM_001407665.1, NM_001407666.1 and 19 more transcripts); c.1088C>G, p.Ser363Ter (NM_001407649.1, NM_001407670.1, NM_001407671.1 and 11 more transcripts); c.1136C>G, p.Ser379Ter (NM_001407653.1, NM_001407654.1, NM_001407655.1 and 4 more transcripts); and 41 more; short protein forms S405*, S358*, S277*, S316*, S317*, S334*, S335*, S338*.
Identifiers: ClinVar variation 96896 (VCV000096896.19), dbSNP rs80357481, ClinGen allele CA000798.

ClinVar aggregate classification (germline): Pathogenic. Review status: reviewed by expert panel (3 of 4 stars). 7 submissions from 7 submitters: Pathogenic (1). 6 of the submissions do not count toward it. Last evaluated 2016-09-08.

Conditions:
Breast neoplasm. Also called: Neoplasm of the breast; Neoplasm of breast; Breast tumor; Breast Neoplasms. Identifiers: MedGen C1458155, MeSH D001943, MONDO:0021100, HP:0100013. Disease mechanism: gain of function.
Breast-ovarian cancer, familial, susceptibility to, 1 (BROVCA1). Also called: BRCA1 Hereditary Breast and Ovarian Cancer; OVARIAN CANCER, SUSCEPTIBILITY TO. Identifiers: Orphanet 145, MedGen C2676676, MONDO:0011450, OMIM 604370. Disease mechanism: loss of function.
Hereditary cancer-predisposing syndrome. Also called: Hereditary Cancer Syndrome; Neoplastic Syndromes, Hereditary; Hereditary neoplastic syndrome; Tumor predisposition. Identifiers: Orphanet 140162, MedGen C0027672, MeSH D009386, MONDO:0015356.
Hereditary breast ovarian cancer syndrome. Also called: Hereditary breast and/or ovarian cancer syndrome; Hereditary breast and ovarian cancer syndrome; Hereditary breast and ovarian cancer; Hereditary breast and ovarian cancer syndrome (HBOC); Breast and ovarian cancer; BRCA1- and BRCA2-Associated Hereditary Breast and Ovarian Cancer. Identifiers: Orphanet 145, MedGen C0677776, MeSH D061325, MONDO:0003582. Disease mechanism: loss of function.

Allele frequency attached by ClinVar (database versions not stated): gnomAD exomes below 0.00001.
gnomAD v4.1: 1 of 1,614,054 alleles (0.000062%); highest among the groups gnomAD compares: Non-Finnish European, 0.000085%; no homozygotes.

Submissions (7):

Evidence-based Network for the Interpretation of Germline Mutant Alleles (ENIGMA)
Classification: Pathogenic for Breast-ovarian cancer, familial, susceptibility to, 1. Last evaluated: 2016-09-08. Review status: reviewed by expert panel. Criteria: ENIGMA BRCA1/2 Classification Criteria (2015). Collection method: curation. Allele origin: germline.
Comment: Variant allele predicted to encode a truncated non-functional protein.

Labcorp Genetics (formerly Invitae), Labcorp
Classification: Pathogenic for Hereditary breast ovarian cancer syndrome. Last evaluated: 2025-10-31. Review status: criteria provided, single submitter. Criteria: Invitae Variant Classification Sherloc (09022015). Collection method: clinical testing. Allele origin: germline. Not counted in ClinVar's aggregate classification.
Comment: This sequence change creates a premature translational stop signal (p.Ser405*) in the BRCA1 gene. It is expected to result in an absent or disrupted protein product. Loss-of-function variants in BRCA1 are known to be pathogenic (PMID: 20104584). This variant is not present in population databases (gnomAD no frequency). This premature translational stop signal has been observed in individual(s) with hereditary breast and ovarian cancer (PMID: 25927356). ClinVar contains an entry for this variant (Variation ID: 96896). For these reasons, this variant has been classified as Pathogenic.

Quest Diagnostics Nichols Institute San Juan Capistrano
Classification: Pathogenic. Last evaluated: 2024-10-21. Review status: criteria provided, single submitter. Criteria: Quest Diagnostics criteria. Collection method: clinical testing. Allele origin: unknown. Not counted in ClinVar's aggregate classification.
Comment: The BRCA1 c.1214C>G (p.Ser405*) variant causes the premature termination of BRCA1 protein synthesis. This variant has been reported in the published literature in individuals with breast and or ovarian cancer (PMID: 25927356 (2015), 30078507 (2018), 29752822 (2018), 31472684 (2019), 33461583 (2021)). This variant has not been reported in large, multi-ethnic general populations (Genome Aggregation Database). Based on the available information, this variant is classified as pathogenic.

Ambry Genetics
Classification: Pathogenic for Hereditary cancer-predisposing syndrome. Last evaluated: 2022-05-25. Review status: criteria provided, single submitter. Criteria: Ambry Variant Classification Scheme 2023. Collection method: clinical testing. Allele origin: germline. Not counted in ClinVar's aggregate classification.
Comment: The p.S405* pathogenic mutation (also known as c.1214C>G), located in coding exon 9 of the BRCA1 gene, results from a C to G substitution at nucleotide position 1214. This changes the amino acid from a serine to a stop codon within coding exon 9. This variant is considered to be rare based on population cohorts in the Genome Aggregation Database (gnomAD). This alteration is expected to result in loss of function by premature protein truncation or nonsense-mediated mRNA decay. As such, this alteration is interpreted as a disease-causing mutation.

Color Diagnostics, LLC DBA Color Health
Classification: Pathogenic for Hereditary cancer-predisposing syndrome. Last evaluated: 2021-04-27. Review status: criteria provided, single submitter. Criteria: ACMG Guidelines, 2015. Collection method: clinical testing. Allele origin: germline. Not counted in ClinVar's aggregate classification.
Comment: This variant changes 1 nucleotide in exon 10 of the BRCA1 gene, creating a premature translation stop signal. This variant is expected to result in an absent or non-functional protein product. To our knowledge, functional studies have not been reported for this variant. This variant has been detected in at least one individual affected with breast cancer (PMID: 25927356, 33461583) and a suspected hereditary breast and ovarian cancer family (PMID: 16267036). This variant has not been identified in the general population by the Genome Aggregation Database (gnomAD). Loss of BRCA1 function is a known mechanism of disease. Based on the available evidence, this variant is classified as Pathogenic.

3DMed Clinical Laboratory Inc
Classification: Pathogenic for Neoplasm of the breast. Last evaluated: 2017-06-28. Review status: criteria provided, single submitter. Criteria: ACMG Guidelines, 2015. Collection method: clinical testing. Allele origin: germline. Affected: yes. Not counted in ClinVar's aggregate classification.

Sharing Clinical Reports Project (SCRP)
Classification: Pathogenic for Breast-ovarian cancer, familial 1. Last evaluated: 2012-05-01. Review status: no assertion criteria provided. Collection method: clinical testing. Allele origin: germline. Not counted in ClinVar's aggregate classification.

Literature cited by the submitters: PubMed 20104584 (cited by Labcorp Genetics (formerly Invitae), Labcorp); PubMed 25927356 (cited by Labcorp Genetics (formerly Invitae), Labcorp and Quest Diagnostics Nichols Institute San Juan Capistrano); PubMed 31825140 (cited by Quest Diagnostics Nichols Institute San Juan Capistrano); PubMed 30078507 (cited by Quest Diagnostics Nichols Institute San Juan Capistrano); PubMed 29752822 (cited by Quest Diagnostics Nichols Institute San Juan Capistrano); PubMed 31472684 (cited by Quest Diagnostics Nichols Institute San Juan Capistrano); PubMed 33461583 (cited by Quest Diagnostics Nichols Institute San Juan Capistrano); PubMed 31742824 (cited by Quest Diagnostics Nichols Institute San Juan Capistrano); PubMed 15145354 (cited by 3DMed Clinical Laboratory Inc).